The following is an entry in ClinVar:

ClinVar aggregate classification (germline): Conflicting classifications of pathogenicity. Review status: criteria provided, conflicting classifications (1 of 4 stars). 5 submissions from 5 submitters: Uncertain significance (3); Likely benign (1). 1 of the submissions does not count toward it. Last evaluated 2025-12-14.

Conditions:
PXDN-related disorder. Also called: PXDN-related condition.
Inborn genetic diseases. Identifiers: MedGen C0950123, MeSH D030342.
Anterior segment dysgenesis 7 (ASGD7). Also called: SCLEROCORNEA WITH OTHER OCULAR ANOMALIES; Anterior segment dysgenesis 7, with sclerocornea. Identifiers: Orphanet 289499, MedGen C3151617, MONDO:0010015, OMIM 269400.

Allele frequency attached by ClinVar (database versions not stated): gnomAD exomes 0.00014 and 0.00035; ExAC 0.00041; 1000 Genomes Project 0.00080; 1000 Genomes Project 30x 0.00094; gnomAD 0.00143 and 0.00160; ESP Exome Variant Server 0.00168; TOPMed 0.00171.
gnomAD v4.1: 433 of 1,606,538 alleles (0.027%); highest among the groups gnomAD compares: African/African-American, 0.49%; no homozygotes.

Submissions (5):

Labcorp Genetics (formerly Invitae), Labcorp
Classification: Likely benign for Anterior segment dysgenesis 7. Last evaluated: 2025-12-14. Review status: criteria provided, single submitter. Criteria: Invitae Variant Classification Sherloc (09022015). Collection method: clinical testing. Allele origin: germline.

GeneDx
Classification: Uncertain significance. Last evaluated: 2025-11-03. Review status: criteria provided, single submitter. Criteria: GeneDx Variant Classification Process June 2021. Collection method: clinical testing. Allele origin: germline. Affected: yes.
Comment: In silico analysis supports that this missense variant has a deleterious effect on protein structure/function; Has not been previously published as pathogenic or benign to our knowledge

Ambry Genetics
Classification: Uncertain significance for Inborn genetic diseases. Last evaluated: 2025-10-15. Review status: criteria provided, single submitter. Criteria: Ambry Variant Classification Scheme 2023. Collection method: clinical testing. Allele origin: germline.

Blueprint Genetics
Classification: Uncertain significance. Last evaluated: 2023-06-13. Review status: criteria provided, single submitter. Criteria: ACMG Guidelines, 2015. Collection method: clinical testing. Allele origin: germline.

PreventionGenetics, part of Exact Sciences
Classification: Likely benign for PXDN-related condition. Last evaluated: 2022-04-15. Review status: no assertion criteria provided. Collection method: clinical testing. Allele origin: germline. Not counted in ClinVar's aggregate classification.
Comment: This variant is classified as likely benign based on ACMG/AMP sequence variant interpretation guidelines (Richards et al. 2015 PMID: 25741868, with internal and published modifications).

NM_012293.3(PXDN):c.2827C>T (p.Arg943Trp)

Gene: PXDN (peroxidasin; minus strand). Cytogenetic location: 2p25.3.
Variant type: single nucleotide variant.
Coding change: c.2827C>T on transcript NM_012293.3 (MANE Select); coding-DNA position 2827, C replaced by T.
Protein change: p.Arg943Trp; replaces arginine 943 with tryptophan.
Molecular consequence: missense variant.
Genome position (GRCh38, 1-based): chr2:1,648,953, G>A on the plus strand (C>T on the coding strand, the complement: PXDN is on the minus strand). VCF-style: chr2-1648953-G-A. GRCh37 (hg19) VCF-style: chr2-1652725-G-A.
Other names: short protein forms R943W.
Identifiers: ClinVar variation 471914 (VCV000471914.18), dbSNP rs200127189, ClinGen allele CA1512880.
Genomic context (GRCh38, chr2:1,648,953, plus strand): 5'-CGTCCCGCATGCACTCCGTGGGCGGCCCGGTGGCGAAGGGGAGCAGCGGCTTCCCGGACC[G>A]CTGCACGATGCCCTGCCGCAGCAGGCCGCGGTGGCTGGCCAGGTCGCGGATGCTGCGGGC-3'
Protein context (NP_036425.1, residues 933-953): RGLLRQGIVQ[Arg943Trp]SGKPLLPFAT